The following is an entry in ClinVar:

ClinVar aggregate classification (germline): Pathogenic (1 of 4 stars; one submission).

Submission:

Labcorp Genetics (formerly Invitae), Labcorp
Classification: Pathogenic. Last evaluated: 2023-12-25. Review status: criteria provided, single submitter. Criteria: Invitae Variant Classification Sherloc (09022015). Collection method: clinical testing. Allele origin: unknown.
Comment: This variant is a gross deletion of the genomic region encompassing exon(s) 5-9 of the CYP19A1 gene. This deletion is out-of-frame, and is expected to create a premature termination codon and result in an absent or disrupted protein product. Loss-of-function variants in CYP19A1 are known to be pathogenic (PMID: 14602738, 27086564, 27256151). This variant has not been reported in the literature in individuals affected with CYP19A1-related conditions. For these reasons, this variant has been classified as Pathogenic.

Literature cited by the submitters: PubMed 14602738; PubMed 27086564; PubMed 27256151.

NC_000015.9:g.(?_51507247)_(51520150_?)del

Gene: CYP19A1 (cytochrome P450 family 19 subfamily A member 1; minus strand). Cytogenetic location: 15q21.2.
Variant type: Deletion.
Identifiers: ClinVar variation 3243897 (VCV003243897.1).